The following is an entry in ClinVar:

NM_015474.4(SAMHD1):c.1757T>A (p.Val586Asp)

Genes: TLDC2 (TBC/LysM-associated domain containing 2; plus strand), SAMHD1 (SAM and HD domain containing deoxynucleoside triphosphate triphosphohydrolase 1; minus strand). Cytogenetic location: 20q11.23.
Variant type: single nucleotide variant.
Coding change: c.1757T>A on transcript NM_015474.4 (MANE Select); coding-DNA position 1757, T replaced by A.
Protein change: p.Val586Asp; replaces valine 586 with aspartic acid.
Molecular consequence: missense variant. On other transcripts: 3 prime UTR variant (3).
Genome position (GRCh38, 1-based): chr20:36,893,056, A>T on the plus strand (T>A on the coding strand, the complement: SAMHD1 is on the minus strand). VCF-style: chr20-36893056-A-T. GRCh37 (hg19) VCF-style: chr20-35521459-A-T.
Other names: c.*212A>T (NM_001304783.1, NM_080628.3); c.1652T>A, p.Val551Asp (NM_001363729.2); c.*850T>A (NM_001363733.2); short protein forms V551D, V586D.
Identifiers: ClinVar variation 1464496 (VCV001464496.8), dbSNP rs2148352252, ClinGen allele CA408838666.

ClinVar aggregate classification (germline): Uncertain significance (1 of 4 stars; one submission).

Conditions:
Aicardi-Goutieres syndrome 5. Identifiers: Orphanet 51, MedGen C2749659, MONDO:0013059, OMIM 612952.

Submission:

Labcorp Genetics (formerly Invitae), Labcorp
Classification: Uncertain significance for Aicardi-Goutieres syndrome 5. Last evaluated: 2021-05-24. Review status: criteria provided, single submitter. Criteria: Invitae Variant Classification Sherloc (09022015). Collection method: clinical testing. Allele origin: germline.
Comment: In summary, the available evidence is currently insufficient to determine the role of this variant in disease. Therefore, it has been classified as a Variant of Uncertain Significance. Algorithms developed to predict the effect of missense changes on protein structure and function are either unavailable or do not agree on the potential impact of this missense change (SIFT: "Deleterious"; PolyPhen-2: "Benign"; Align-GVGD: "Class C0"). This variant has not been reported in the literature in individuals with SAMHD1-related conditions. This variant is not present in population databases (ExAC no frequency). This sequence change replaces valine with aspartic acid at codon 586 of the SAMHD1 protein (p.Val586Asp). The valine residue is weakly conserved and there is a large physicochemical difference between valine and aspartic acid.